The following is an entry in ClinVar:

ClinVar aggregate classification (germline): Pathogenic (1 of 4 stars; one submission).

Submission:

Labcorp Genetics (formerly Invitae), Labcorp
Classification: Pathogenic. Last evaluated: 2025-06-29. Review status: criteria provided, single submitter. Criteria: Invitae Variant Classification Sherloc (09022015). Collection method: clinical testing. Allele origin: germline.
Comment: This variant, c.904_906del, results in the deletion of 1 amino acid(s) of the SERPING1 protein (p.Thr302del), but otherwise preserves the integrity of the reading frame. This variant is not present in population databases (gnomAD no frequency). This variant has been observed in individual(s) with angioedema (PMID: 11112899, 37301409; internal data). In at least one individual the variant was observed to be de novo. Algorithms developed to predict the effect of variants on gene product structure and function are not available or were not evaluated for this variant. Experimental studies have shown that this variant affects SERPING1 function (PMID: 37301409). For these reasons, this variant has been classified as Pathogenic.

Literature cited by the submitters: PubMed 11112899; PubMed 37301409.

NM_000062.3(SERPING1):c.901ACA[1] (p.Thr302del)

Gene: SERPING1 (serpin family G member 1; plus strand). Cytogenetic location: 11q12.1.
Variant type: Microsatellite.
Coding change: c.901ACA[1] on transcript NM_000062.3 (MANE Select); one copy of the 3-base unit ACA starting at c.901; the reference has two copies in a row; one copy, 3 bases deleted.
Protein change: p.Thr302del; deletes threonine 302.
Molecular consequence: inframe deletion.
Genome position (GRCh38, 1-based): chr11:57,606,422-57,606,424, ACA deleted; deleting any 3 consecutive bases within chr11:57,606,419-57,606,424 gives the same sequence; the position shown is the placement nearest the transcript's 3' end. VCF-style (leftmost placement, unchanged base first): chr11-57606418-GACA-G. GRCh37 (hg19) VCF-style: chr11-57373891-GACA-G.
Other names: c.901ACA[1], p.Thr302del (NM_001032295.2); short protein forms T302del.
Identifiers: ClinVar variation 4709834 (VCV004709834.1).